The following is an entry in ClinVar:

ClinVar aggregate classification (germline): Uncertain significance. Review status: criteria provided, multiple submitters, no conflicts (2 of 4 stars). 5 submissions from 5 submitters: Uncertain significance (4). 1 of the submissions does not count toward it. Last evaluated 2026-03-23.

Conditions:
C1S-related disorder. Also called: C1S-related condition.
Inborn genetic diseases. Identifiers: MedGen C0950123, MeSH D030342.

Allele frequency attached by ClinVar (database versions not stated): gnomAD exomes 0.00005 and 0.00007; TOPMed 0.00005; gnomAD 0.00007 and 0.00009; ESP Exome Variant Server 0.00008; ExAC 0.00009.
gnomAD v4.1: 95 of 1,613,928 alleles (0.0059%); highest among the groups gnomAD compares: Non-Finnish European, 0.0019%; no homozygotes.

Submissions (5):

Women's Health and Genetics/Laboratory Corporation of America, LabCorp
Classification: Uncertain significance. Last evaluated: 2026-03-23. Review status: criteria provided, single submitter. Criteria: LabCorp Variant Classification Summary - May 2015. Collection method: clinical testing. Allele origin: germline.
Comment: Variant summary: C1S c.1079G>T (p.Gly360Val) results in a non-conservative amino acid change in the encoded protein sequence. Algorithms developed to predict the effect of missense changes on protein structure and function all suggest that this variant is likely to be disruptive. The variant allele was found at a frequency of 7.2e-05 in 251450 control chromosomes. This frequency is not significantly higher than estimated for disease-causing variants in C1S, allowing no conclusion about variant significance. To our knowledge, no occurrence of c.1079G>T in individuals affected with C1S-related conditions and no experimental evidence demonstrating its impact on protein function have been reported. ClinVar contains an entry for this variant (Variation ID: 1399942). Based on the evidence outlined above, the variant was classified as uncertain significance.

Labcorp Genetics (formerly Invitae), Labcorp
Classification: Uncertain significance. Last evaluated: 2025-12-27. Review status: criteria provided, single submitter. Criteria: Invitae Variant Classification Sherloc (09022015). Collection method: clinical testing. Allele origin: germline.
Comment: This sequence change replaces glycine, which is neutral and non-polar, with valine, which is neutral and non-polar, at codon 360 of the C1S protein (p.Gly360Val). This variant is present in population databases (rs143619931, gnomAD 0.1%). This variant has not been reported in the literature in individuals affected with C1S-related conditions. ClinVar contains an entry for this variant (Variation ID: 1399942). Invitae Evidence Modeling of protein sequence and biophysical properties (such as structural, functional, and spatial information, amino acid conservation, physicochemical variation, residue mobility, and thermodynamic stability) indicates that this missense variant is expected to disrupt C1S protein function with a positive predictive value of 80%. In summary, the available evidence is currently insufficient to determine the role of this variant in disease. Therefore, it has been classified as a Variant of Uncertain Significance.

Ambry Genetics
Classification: Uncertain significance for Inborn genetic diseases. Last evaluated: 2024-06-07. Review status: criteria provided, single submitter. Criteria: Ambry Variant Classification Scheme 2023. Collection method: clinical testing. Allele origin: germline.

Blueprint Genetics
Classification: Uncertain significance. Last evaluated: 2024-06-07. Review status: criteria provided, single submitter. Criteria: ACMG Guidelines, 2015. Collection method: clinical testing. Allele origin: germline.

PreventionGenetics, part of Exact Sciences
Classification: Benign for C1S-related condition. Last evaluated: 2020-01-07. Review status: no assertion criteria provided. Collection method: clinical testing. Allele origin: germline. Not counted in ClinVar's aggregate classification.
Comment: This variant is classified as benign based on ACMG/AMP sequence variant interpretation guidelines (Richards et al. 2015 PMID: 25741868, with internal and published modifications).

NM_001734.5(C1S):c.1079G>T (p.Gly360Val)

Gene: C1S (complement C1s; plus strand). Cytogenetic location: 12p13.31.
Variant type: single nucleotide variant.
Coding change: c.1079G>T on transcript NM_001734.5 (MANE Select); coding-DNA position 1079, G replaced by T.
Protein change: p.Gly360Val; replaces glycine 360 with valine.
Molecular consequence: missense variant.
Genome position (GRCh38, 1-based): chr12:7,067,655, G>T. VCF-style: chr12-7067655-G-T. GRCh37 (hg19) VCF-style: chr12-7174959-G-T.
Other names: c.578G>T, p.Gly193Val (NM_001346850.2); c.1079G>T, p.Gly360Val (NM_201442.4); c.1079G>T (NM_201442.3, NM_201442.2); short protein forms G360V, G193V.
Identifiers: ClinVar variation 1399942 (VCV001399942.12), dbSNP rs143619931, ClinGen allele CA6423675.